The following is an entry in ClinVar:

ClinVar aggregate classification (germline): Conflicting classifications of pathogenicity. Review status: criteria provided, conflicting classifications (1 of 4 stars). 6 submissions from 6 submitters: Pathogenic (4); Likely pathogenic (1); Uncertain significance (1). Last evaluated 2026-04-30.

Conditions:
Oculocutaneous albinism type 1. Also called: Albinism 1; ALBINISM I. Identifiers: Orphanet 352731, MedGen C0268494, MONDO:0018135. Disease mechanism: loss of function.
Oculocutaneous albinism type 1A (OCA1A). Also called: Albinism, oculocutaneous, type IA. Identifiers: Orphanet 352731, Orphanet 79431, MedGen C4551504, MONDO:0008745, OMIM 203100. Disease mechanism: loss of function.
Oculocutaneous albinism type 1B (OCA1B). Also called: ALBINISM, OCULOCUTANEOUS, TYPE IB; YELLOW ALBINISM; ALBINISM, YELLOW MUTANT TYPE. Identifiers: Orphanet 352731, Orphanet 352737, Orphanet 79434, MedGen C1847024, MONDO:0011749, OMIM 606952.
SKIN/HAIR/EYE PIGMENTATION 3, LIGHT/DARK SKIN (SHEP3). Also called: EYE COLOR 1; EYE COLOR, GREEN/BLUE; SKIN/HAIR/EYE PIGMENTATION, VARIATION IN, 3; SKIN/HAIR/EYE PIGMENTATION 3, BLUE/GREEN EYE COLOR; SKIN/HAIR/EYE PIGMENTATION 3, FRECKLING. Identifiers: MedGen C2677190, OMIM 601800.

Allele frequency attached by ClinVar (database versions not stated): gnomAD exomes below 0.00001.
gnomAD v4.1: 1 of 1,614,200 alleles (0.000062%); highest among the groups gnomAD compares: Non-Finnish European, 0.000085%; no homozygotes.

Submissions (6):

Myriad Genetics, Inc.
Classification: Likely pathogenic for Oculocutaneous albinism type 1. Last evaluated: 2026-04-30. Review status: criteria provided, single submitter. Criteria: Myriad Autosomal Dominant, Autosomal Recessive and X-Linked Classification Criteria (2023). Collection method: clinical testing. Allele origin: unknown.
Comment: NM_000372.4(TYR):c.98A>C(K33T) is a missense variant classified as likely pathogenic in the context of oculocutaneous albinism, TYR-related. K33T has been observed in cases with relevant disease (PMID: 20861488, 29345414, 18821858, 25216246). Relevant functional assessments of this variant are not available in the literature. K33T has been observed in referenced population frequency databases. In summary, NM_000372.4(TYR):c.98A>C(K33T) is a missense variant that has been observed more frequently in cases with the relevant disease than in healthy populations. Please note: this variant was assessed in the context of healthy population screening.

Labcorp Genetics (formerly Invitae), Labcorp
Classification: Pathogenic. Last evaluated: 2025-06-20. Review status: criteria provided, single submitter. Criteria: Invitae Variant Classification Sherloc (09022015). Collection method: clinical testing. Allele origin: germline.
Comment: This sequence change replaces lysine, which is basic and polar, with threonine, which is neutral and polar, at codon 33 of the TYR protein (p.Lys33Thr). This variant is present in population databases (no rsID available, gnomAD 0.0009%). This missense change has been observed in individual(s) with oculocutaneous albinism type 1A (PMID: 18821858, 20861488, 25216246). In at least one individual the data is consistent with being in trans (on the opposite chromosome) from a pathogenic variant. ClinVar contains an entry for this variant (Variation ID: 1390419). Invitae Evidence Modeling of protein sequence and biophysical properties (such as structural, functional, and spatial information, amino acid conservation, physicochemical variation, residue mobility, and thermodynamic stability) indicates that this missense variant is expected to disrupt TYR protein function with a positive predictive value of 95%. For these reasons, this variant has been classified as Pathogenic.

Laboratory of Genetic Epidemiology, Research Centre for Medical Genetics
Classification: Uncertain significance for Oculocutaneous albinism type 1A; Oculocutaneous albinism type 1B. Last evaluated: 2025-01-01. Review status: criteria provided, single submitter. Criteria: ACMG Guidelines, 2015. Collection method: clinical testing. Allele origin: unknown. Inheritance: Autosomal recessive inheritance. Affected: yes. Observed: 1 heterozygote.
Comment: This variant has been previously reported in the literature (PMIDs:18821858, 20861488, 25216246) and is listed in gnomAD v3.1.2 one time with allele frequency 0.00001 (1/68032) in Europe. The affected amino acid position is evolutionarily conserved, and multiple in silico prediction tools support a deleterious effect. Taken together, the variant meets the following ACMG/AMP criteria and can be classified as uncertain significance with PM2, PP3, PP5, PP4 criteria.

Department of Human Genetics, Hannover Medical School
Classification: Pathogenic for Oculocutaneous albinism type 1B. Last evaluated: 2024-07-24. Review status: criteria provided, single submitter. Criteria: ACMG Guidelines, 2015. Collection method: clinical testing. Allele origin: germline. Affected: yes.

Dasa
Classification: Pathogenic. Last evaluated: 2024-06-21. Review status: criteria provided, single submitter. Criteria: DASA Assertion Criteria. Collection method: clinical testing. Allele origin: germline.
Comment: NM_000372.5(TYR):c.98A>C (p.Lys33Thr) is a missense variant that results in the substitution of lysine with threonine. This variant has been recurrently observed in individuals with related phenotype (PMID: 20861488; PMID: 25216246). Multiple computational predictions support a deleterious effect on the gene or gene product. The variant is present at low frequency in population datasets. Based on the available data, this variant is classified as pathogenic.

Baylor Genetics
Classification: Pathogenic for SKIN/HAIR/EYE PIGMENTATION 3, LIGHT/DARK SKIN. Last evaluated: 2023-10-07. Review status: criteria provided, single submitter. Criteria: ACMG Guidelines, 2015. Collection method: clinical testing. Allele origin: unknown.

Literature cited by the submitters: PubMed 18821858 (cited by 3 submitters); PubMed 20861488 (cited by 4 submitters); PubMed 25216246 (cited by 4 submitters); PubMed 29345414 (cited by Myriad Genetics, Inc.); PubMed 41428507 (cited by Laboratory of Genetic Epidemiology, Research Centre for Medical Genetics).

NM_000372.5(TYR):c.98A>C (p.Lys33Thr)

Gene: TYR (tyrosinase; plus strand). Cytogenetic location: 11q14.3.
Variant type: single nucleotide variant.
Coding change: c.98A>C on transcript NM_000372.5 (MANE Select); coding-DNA position 98, A replaced by C.
Protein change: p.Lys33Thr; replaces lysine 33 with threonine.
Molecular consequence: missense variant.
Genome position (GRCh38, 1-based): chr11:89,178,051, A>C. VCF-style: chr11-89178051-A-C. GRCh37 (hg19) VCF-style: chr11-88911219-A-C.
Other names: short protein forms K33T.
Identifiers: ClinVar variation 1390419 (VCV001390419.11), dbSNP rs1451372078, ClinGen allele CA382033388.